The following is an entry in ClinVar:

NM_000104.4(CYP1B1):c.498C>G (p.Leu166=)

Gene: CYP1B1 (cytochrome P450 family 1 subfamily B member 1; minus strand). Cytogenetic location: 2p22.2.
Variant type: single nucleotide variant.
Coding change: c.498C>G on transcript NM_000104.4 (MANE Select); coding-DNA position 498, C replaced by G.
Protein change: p.Leu166=; no amino-acid change (leucine 166 retained).
Molecular consequence: synonymous variant.
Genome position (GRCh38, 1-based): chr2:38,074,891, G>C on the plus strand (C>G on the coding strand, the complement: CYP1B1 is on the minus strand). VCF-style: chr2-38074891-G-C. GRCh37 (hg19) VCF-style: chr2-38302034-G-C.
Other names: NM_000104.4(CYP1B1):c.498C>G; p.Leu166=.
Identifiers: ClinVar variation 898365 (VCV000898365.8), dbSNP rs775055418, ClinGen allele CA1620025.
Genomic context (GRCh38, chr2:38,074,891, plus strand): 5'-CGCGCTGCCGCGCACCAGCAGCGCCACCAGCTCGCGCGCCTCGCTCAGCACGTGGCCCTC[G>C]AGGACTTGGCGGCTGCGCGGCTGGCGCGTGAAGAAGTTGCGCATCATGCTGTGGGCTGCG-3'
Protein context (NP_000095.2, residues 156-176): FTRQPRSRQV[Leu166=]EGHVLSEARE

ClinVar aggregate classification (germline): Uncertain significance. Review status: reviewed by expert panel (3 of 4 stars). 4 submissions from 3 submitters: Uncertain significance (1). 3 of the submissions do not count toward it. Last evaluated 2026-10-12.

Conditions:
Congenital glaucoma. Identifiers: MedGen C0020302, MONDO:0020366.
Irido-corneo-trabecular dysgenesis (ASGD5). Also called: ANTERIOR SEGMENT DYSGENESIS 5. Identifiers: Orphanet 708, MedGen C0344559, MONDO:0011414, OMIM 604229, HP:0000659.
CYP1B1-related glaucoma with or without anterior segment dysgenesis. Identifiers: MedGen CN375931, MONDO:0800472.
Glaucoma 3A. Also called: Glaucoma 3, primary congenital, A. Identifiers: Orphanet 98976, Orphanet 98977, MedGen C1856439, MONDO:0009277, OMIM 231300.

Allele frequency attached by ClinVar (database versions not stated): gnomAD exomes 0.00001; ExAC below 0.00001.

Submissions (4):

ClinGen Glaucoma Variant Curation Expert Panel
Classification: Uncertain significance for CYP1B1-related glaucoma with or without anterior segment dysgenesis. Last evaluated: 2026-10-12. Review status: reviewed by expert panel. Criteria: ClinGen Glaucoma ACMG Specifications CYP1B1 V2.0. Collection method: curation. Allele origin: germline. Inheritance: Autosomal recessive inheritance.
Comment: The c.498C>G variant in CYP1B1 is a synonymous variant (p.Leu166=). The highest minor allele frequency of this variant was in the European (non-Finnish) genetic ancestry group of gnomAD (v4.1) = 0.00001473 (17 alleles out of 1,154,174), which met the ≤ 0.0005 threshold set for PM2_Supporting in a genetic ancestry group of at least 2,000 alleles. The SpliceAI score = 0, which met the ≤ 0.1 threshold for BP4, suggesting that the variant does not impact CYP1B1 function. This synonymous variant is located outside of the first and the last 3 bases of the exon and BP4 is met, so BP7 is met. There was no functional evidence predicting a damaging or benign impact of this variant on CYP1B1 function. This variant has been identified in an individual in laboratory testing (ClinVar database), however BP4 is met, therefore PM3 was not assessed. In summary, this variant met the criteria to receive a score of -1 and to be classified as a variant of uncertain significance (uncertain significance classification range -1 to 5, adapted from PMID: 32720330) for CYP1B1-related glaucoma with or without anterior segment dysgenesis (ASD) based on the ACMG/AMP criteria met, as specified by the ClinGen Glaucoma VCEP (v2.0, 16.07.2026): BP4, BP7, PM2_Supporting.

Labcorp Genetics (formerly Invitae), Labcorp
Classification: Likely benign for Congenital glaucoma. Last evaluated: 2023-04-14. Review status: criteria provided, single submitter. Criteria: Invitae Variant Classification Sherloc (09022015). Collection method: clinical testing. Allele origin: germline. Not counted in ClinVar's aggregate classification.

Illumina Laboratory Services, Illumina
Classification: Uncertain significance for Irido-corneo-trabecular dysgenesis. Last evaluated: 2018-01-13. Review status: criteria provided, single submitter. Criteria: ICSL Variant Classification Criteria 13 December 2019. Collection method: clinical testing. Allele origin: germline. Not counted in ClinVar's aggregate classification.

Illumina Laboratory Services, Illumina
Classification: Uncertain significance for Glaucoma 3A. Last evaluated: 2018-01-13. Review status: criteria provided, single submitter. Criteria: ICSL Variant Classification Criteria 13 December 2019. Collection method: clinical testing. Allele origin: germline. Not counted in ClinVar's aggregate classification.